The following is an entry in ClinVar:

ClinVar aggregate classification (germline): Uncertain significance (1 of 4 stars; one submission).

Conditions:
Deficiency of transaldolase. Also called: EYAID SYNDROME. Identifiers: Orphanet 101028, MedGen C1291329, MONDO:0011624, OMIM 606003.

Submission:

Juno Genomics, Hangzhou Juno Genomics, Inc
Classification: Uncertain significance for Deficiency of transaldolase. Review status: criteria provided, single submitter. Criteria: ACMG Guidelines, 2015. Collection method: clinical testing. Allele origin: germline.
Comment: Absent from controls (or at extremely low frequency if recessive) in Genome Aggregation Database.;Multiple lines of computational evidence support a deleterious effect on the gene or gene product.

NM_006755.2(TALDO1):c.423A>G (p.Ile141Met)

Gene: TALDO1 (transaldolase 1; plus strand). Cytogenetic location: 11p15.5.
Variant type: single nucleotide variant.
Coding change: c.423A>G on transcript NM_006755.2 (MANE Select); coding-DNA position 423, A replaced by G.
Protein change: p.Ile141Met; replaces isoleucine 141 with methionine.
Molecular consequence: missense variant.
Genome position (GRCh38, 1-based): chr11:760,215, A>G. VCF-style: chr11-760215-A-G. GRCh37 (hg19) VCF-style: chr11-760215-A-G.
Other names: short protein forms I141M.
Identifiers: ClinVar variation 5019272 (VCV005019272.2).
Genomic context (GRCh38, chr11:760,215, plus strand): 5'-AGCCAGGCGGCTCATCGAGCTCTACAAGGAAGCTGGGATCAGCAAGGACCGAATTCTTAT[A>G]AAGCTGTCATCAACCTGGGAAGGAATTCAGGCTGGAAAGTAAGTGGTCCCCCACAAGGAA-3'
Protein context (NP_006746.1, residues 131-151): EAGISKDRIL[Ile141Met]KLSSTWEGIQ